The following is an entry in ClinVar:

NM_001291303.3(FAT4):c.6688_6690delinsTTT (p.Gln2230Phe)

Gene: FAT4 (FAT atypical cadherin 4; plus strand). Cytogenetic location: 4q28.1.
Variant type: Indel.
Coding change: c.6688_6690delinsTTT on transcript NM_001291303.3 (MANE Select); coding-DNA positions 6688 to 6690, CAG replaced by TTT.
Protein change: p.Gln2230Phe; replaces glutamine 2230 with phenylalanine.
Molecular consequence: missense variant.
Genome position (GRCh38, 1-based): chr4:125,415,651-125,415,653, CAG replaced by TTT. VCF-style: chr4-125415651-CAG-TTT. GRCh37 (hg19) VCF-style: chr4-126336806-CAG-TTT.
Other names: c.6688_6690delinsTTT, p.Gln2230Phe (NM_001291285.3, NM_024582.6); short protein forms Q2230F.
Identifiers: ClinVar variation 2131631 (VCV002131631.4), dbSNP rs2530782786, ClinGen allele CA2580071540.

ClinVar aggregate classification (germline): Uncertain significance (1 of 4 stars; one submission).

Submission:

Labcorp Genetics (formerly Invitae), Labcorp
Classification: Uncertain significance. Last evaluated: 2023-08-30. Review status: criteria provided, single submitter. Criteria: Invitae Variant Classification Sherloc (09022015). Collection method: clinical testing. Allele origin: germline.
Comment: An algorithm developed to predict the effect of missense changes on protein structure and function (PolyPhen-2) suggests that this variant is likely to be disruptive. ClinVar contains an entry for this variant (Variation ID: 2131631). This variant has not been reported in the literature in individuals affected with FAT4-related conditions. Information on the frequency of this variant in the gnomAD database is not available, as this variant may be reported differently in the database. This sequence change replaces glutamine, which is neutral and polar, with phenylalanine, which is neutral and non-polar, at codon 2230 of the FAT4 protein (p.Gln2230Phe). In summary, the available evidence is currently insufficient to determine the role of this variant in disease. Therefore, it has been classified as a Variant of Uncertain Significance.